The following is an entry in ClinVar:

ClinVar aggregate classification (germline): Conflicting classifications of pathogenicity. Review status: criteria provided, conflicting classifications (1 of 4 stars). 11 submissions from 11 submitters: Uncertain significance (5); Likely benign (6). Last evaluated 2025-12-15.

Conditions:
TSC2-related disorder. Also called: TSC2-Related Disorders; TSC2-related condition.
Hereditary cancer-predisposing syndrome. Also called: Tumor predisposition; Hereditary Cancer Syndrome; Neoplastic Syndromes, Hereditary; Hereditary neoplastic syndrome. Identifiers: Orphanet 140162, MedGen C0027672, MeSH D009386, MONDO:0015356.
Tuberous sclerosis 2 (TSC2). Identifiers: Orphanet 805, MedGen C1860707, MONDO:0013199, OMIM 613254.
Tuberous sclerosis syndrome (TSC). Also called: Tuberous Sclerosis Complex; Tuberous sclerosis. Identifiers: Orphanet 805, MedGen C0041341, MONDO:0001734.

Allele frequency attached by ClinVar (database versions not stated): ExAC 0.00001; gnomAD exomes 0.00004; gnomAD 0.00006; TOPMed 0.00009.
gnomAD v4.1: 46 of 1,612,842 alleles (0.0029%); highest among the groups gnomAD compares: African/African-American, 0.012%; no homozygotes.

Submissions (11):

Labcorp Genetics (formerly Invitae), Labcorp
Classification: Likely benign for Tuberous sclerosis 2. Last evaluated: 2025-12-15. Review status: criteria provided, single submitter. Criteria: Invitae Variant Classification Sherloc (09022015). Collection method: clinical testing. Allele origin: germline.

Myriad Genetics, Inc.
Classification: Likely benign for Tuberous sclerosis 2. Last evaluated: 2025-06-05. Review status: criteria provided, single submitter. Criteria: Myriad Autosomal Dominant, Autosomal Recessive and X-Linked Classification Criteria (2023). Collection method: clinical testing. Allele origin: unknown.
Comment: This variant is considered likely benign. This variant has been observed at a population frequency that is significantly greater than expected given the associated disease prevalence and penetrance.

Blueprint Genetics
Classification: Likely benign. Last evaluated: 2024-08-23. Review status: criteria provided, single submitter. Criteria: ACMG Guidelines, 2015. Collection method: clinical testing. Allele origin: germline.

All of Us Research Program, National Institutes of Health
Classification: Uncertain significance for Tuberous sclerosis syndrome. Last evaluated: 2023-11-20. Review status: criteria provided, single submitter. Criteria: ACMG Guidelines, 2015. Collection method: clinical testing. Allele origin: germline. Inheritance: Autosomal dominant inheritance. Observed: 8 variant alleles, 8 heterozygotes.
Comment: This missense variant replaces valine with methionine at codon 1599 of the TSC2 protein. Computational prediction is inconclusive regarding the impact of this variant on protein structure and function (internally defined REVEL score threshold 0.5 < inconclusive < 0.7, PMID: 27666373). To our knowledge, functional studies have not been reported for this variant. This variant has not been reported in individuals affected with tuberous sclerosis complex in the literature. This variant has been identified in 10/249584 chromosomes in the general population by the Genome Aggregation Database (gnomAD). The available evidence is insufficient to determine the role of this variant in disease conclusively. Therefore, this variant is classified as a Variant of Uncertain Significance.

This study involves interpretation of variants in research participants for the purpose of population health screening. Participant phenotype was not available at the time of variant classification. Additional details can be found in publication PMID: 35346344, PMCID: PMC8962531

Color Diagnostics, LLC DBA Color Health
Classification: Uncertain significance for Tuberous sclerosis syndrome. Last evaluated: 2023-10-19. Review status: criteria provided, single submitter. Criteria: ACMG Guidelines, 2015. Collection method: clinical testing. Allele origin: germline.
Comment: This missense variant replaces valine with methionine at codon 1599 of the TSC2 protein. Computational prediction is inconclusive regarding the impact of this variant on protein structure and function. To our knowledge, functional studies have not been reported for this variant. This variant has not been reported in individuals affected with tuberous sclerosis complex in the literature. This variant has been identified in 10/249584 chromosomes in the general population by the Genome Aggregation Database (gnomAD). The available evidence is insufficient to determine the role of this variant in disease conclusively. Therefore, this variant is classified as a Variant of Uncertain Significance.

PreventionGenetics, part of Exact Sciences
Classification: Uncertain significance for TSC2-related condition. Last evaluated: 2023-08-08. Review status: criteria provided, single submitter. Criteria: ACMG Guidelines, 2015. Collection method: clinical testing. Allele origin: germline.
Comment: The TSC2 c.4795G>A variant is predicted to result in the amino acid substitution p.Val1599Met. To our knowledge, this variant has not been reported in the literature. This variant is reported in 0.0098% of alleles in individuals of South Asian descent in gnomAD and is reported in ClinVar as uncertain and likely benign. Although we suspect that this variant may be benign, at this time, the clinical significance of this variant is uncertain due to the absence of conclusive functional and genetic evidence.

Genome-Nilou Lab
Classification: Likely benign for Tuberous sclerosis 2. Last evaluated: 2021-11-07. Review status: criteria provided, single submitter. Criteria: ACMG Guidelines, 2015. Collection method: clinical testing. Allele origin: germline. Affected: no.

Ambry Genetics
Classification: Likely benign for Hereditary cancer-predisposing syndrome. Last evaluated: 2018-06-28. Review status: criteria provided, single submitter. Criteria: Ambry Variant Classification Scheme 2023. Collection method: clinical testing. Allele origin: germline.

GeneDx
Classification: Likely benign. Last evaluated: 2018-06-12. Review status: criteria provided, single submitter. Criteria: GeneDx Variant Classification (06012015). Collection method: clinical testing. Allele origin: germline. Affected: yes.
Comment: This variant is considered likely benign or benign based on one or more of the following criteria: it is a conservative change, it occurs at a poorly conserved position in the protein, it is predicted to be benign by multiple in silico algorithms, and/or has population frequency not consistent with disease.

CeGaT Center for Human Genetics Tuebingen
Classification: Uncertain significance. Last evaluated: 2016-06-01. Review status: criteria provided, single submitter. Criteria: CeGaT Center For Human Genetics Tuebingen Variant Classification Criteria Version 2. Collection method: clinical testing. Allele origin: germline. Affected: yes. Observed: 1 variant allele.

Eurofins Ntd Llc (ga)
Classification: Uncertain significance. Last evaluated: 2016-03-22. Review status: criteria provided, single submitter. Criteria: EGL Classification Definitions 2015. Collection method: clinical testing. Allele origin: germline. Observed: 1 variant allele, 1 heterozygote.

Literature cited by the submitters: PubMed 15141215 (cited by Ambry Genetics).

NM_000548.5(TSC2):c.4795G>A (p.Val1599Met)

Gene: TSC2 (TSC complex subunit 2; plus strand). Cytogenetic location: 16p13.3.
Variant type: single nucleotide variant.
Coding change: c.4795G>A on transcript NM_000548.5 (MANE Select); coding-DNA position 4795, G replaced by A.
Protein change: p.Val1599Met; replaces valine 1599 with methionine.
Molecular consequence: missense variant.
Genome position (GRCh38, 1-based): chr16:2,086,325, G>A. VCF-style: chr16-2086325-G-A. GRCh37 (hg19) VCF-style: chr16-2136326-G-A.
Other names: c.4795G>A (NM_000548.4); c.4594G>A, p.Val1532Met (NM_001077183.3); c.4726G>A, p.Val1576Met (NM_001114382.3); c.4486G>A, p.Val1496Met (NM_001318827.2); c.4450G>A, p.Val1484Met (NM_001318829.2); c.4063G>A, p.Val1355Met (NM_001318831.2); c.4627G>A, p.Val1543Met (NM_001318832.2); c.4597G>A, p.Val1533Met (NM_001363528.2); and 2 more; short protein forms V1599M, V1484M, V1355M, V1496M, V1533M, V1532M, V1543M, V1555M.
Identifiers: ClinVar variation 238061 (VCV000238061.67), dbSNP rs772687631, ClinGen allele CA052464.